The following is an entry in ClinVar:

ClinVar aggregate classification (germline): Conflicting classifications of pathogenicity. Review status: criteria provided, conflicting classifications (1 of 4 stars). 2 submissions from 2 submitters: Uncertain significance (1); Likely benign (1). Last evaluated 2024-08-26.

Conditions:
Familial cancer of breast. Also called: BREAST CANCER, FAMILIAL; Hereditary breast cancer; hereditary breast carcinoma. Identifiers: Orphanet 227535, MedGen C0346153, MONDO:0016419, OMIM 114480. Disease mechanism: loss of function.
Hereditary cancer-predisposing syndrome. Also called: Neoplastic Syndromes, Hereditary; Tumor predisposition; Hereditary neoplastic syndrome; Hereditary Cancer Syndrome. Identifiers: Orphanet 140162, MedGen C0027672, MeSH D009386, MONDO:0015356.

Submissions (2):

Myriad Genetics, Inc.
Classification: Likely benign for Familial cancer of breast. Last evaluated: 2024-08-26. Review status: criteria provided, single submitter. Criteria: Myriad Autosomal Dominant, Autosomal Recessive and X-Linked Classification Criteria (2023). Collection method: clinical testing. Allele origin: unknown.
Comment: This variant is considered likely benign. This variant is intronic and is not expected to impact mRNA splicing.

Color Diagnostics, LLC DBA Color Health
Classification: Uncertain significance for Hereditary cancer-predisposing syndrome. Last evaluated: 2019-04-25. Review status: criteria provided, single submitter. Criteria: ACMG Guidelines, 2015. Collection method: clinical testing. Allele origin: germline.

NM_032043.3(BRIP1):c.1141-9A>T

Gene: BRIP1 (BRCA1 interacting DNA helicase 1; minus strand). Cytogenetic location: 17q23.2.
Variant type: single nucleotide variant.
Coding change: c.1141-9A>T on transcript NM_032043.3 (MANE Select); 9 bases into the intron before coding-DNA position 1141, A replaced by T.
Molecular consequence: intron variant.
Genome position (GRCh38, 1-based): chr17:61,799,308, T>A on the plus strand (A>T on the coding strand, the complement: BRIP1 is on the minus strand). VCF-style: chr17-61799308-T-A. GRCh37 (hg19) VCF-style: chr17-59876669-T-A.
Identifiers: ClinVar variation 629180 (VCV000629180.4), dbSNP rs1555607258, ClinGen allele CA913187829.
Genomic context (GRCh38, chr17:61,799,308, plus strand): 5'-TGTTATGAGCTTCATCTAAAATGACAACCTGTTCTTTCAGATTTAAATCCATCTATAAGA[T>A]AAAAGAATTTTCTTGTAAAACATTTGGCAAAATAGATTTAACAACAGCAGGCAAGATATT-3'